The following is an entry in ClinVar:

ClinVar aggregate classification (germline): Pathogenic/Likely pathogenic. Review status: criteria provided, multiple submitters, no conflicts (2 of 4 stars). 5 submissions from 5 submitters: Pathogenic (4); Likely pathogenic (1). Last evaluated 2025-01-25.

Conditions:
Hereditary cancer-predisposing syndrome. Also called: Tumor predisposition; Hereditary Cancer Syndrome; Hereditary neoplastic syndrome; Neoplastic Syndromes, Hereditary. Identifiers: Orphanet 140162, MedGen C0027672, MeSH D009386, MONDO:0015356.
Ataxia-telangiectasia syndrome (AT). Also called: Ataxia telangiectasia (A-T); LOUIS-BAR SYNDROME; Cerebello-oculocutaneous telangiectasia; Immunodeficiency with ataxia telangiectasia; ATAXIA-TELANGIECTASIA, COMPLEMENTATION GROUP A; ATAXIA-TELANGIECTASIA, FRESNO VARIANT. Identifiers: Orphanet 100, MedGen C0004135, MONDO:0008840, OMIM 208900.
Familial cancer of breast. Also called: hereditary breast carcinoma; BREAST CANCER, FAMILIAL; Hereditary breast cancer. Identifiers: Orphanet 227535, MedGen C0346153, MONDO:0016419, OMIM 114480. Disease mechanism: loss of function.

Submissions (5):

Labcorp Genetics (formerly Invitae), Labcorp
Classification: Pathogenic for Ataxia-telangiectasia syndrome. Last evaluated: 2025-01-25. Review status: criteria provided, single submitter. Criteria: Invitae Variant Classification Sherloc (09022015). Collection method: clinical testing. Allele origin: germline.
Comment: This sequence change creates a premature translational stop signal (p.Lys1773Serfs*3) in the ATM gene. It is expected to result in an absent or disrupted protein product. Loss-of-function variants in ATM are known to be pathogenic (PMID: 23807571, 25614872). This variant is not present in population databases (gnomAD no frequency). This variant has not been reported in the literature in individuals affected with ATM-related conditions. ClinVar contains an entry for this variant (Variation ID: 233249). For these reasons, this variant has been classified as Pathogenic.

Quest Diagnostics Nichols Institute San Juan Capistrano
Classification: Pathogenic. Last evaluated: 2024-10-22. Review status: criteria provided, single submitter. Criteria: Quest Diagnostics criteria. Collection method: clinical testing. Allele origin: unknown.
Comment: The ATM c.5318del (p.Lys1773Serfs*3) variant alters the translational reading frame of the ATM mRNA and causes the premature termination of ATM protein synthesis. This variant has been reported in the published literature in an individual with breast cancer (PMID: 36980780 (2023)). This variant has not been reported in large, multi-ethnic general populations (Genome Aggregation Database). Based on the available information, this variant is classified as pathogenic.

Ambry Genetics
Classification: Pathogenic for Hereditary cancer-predisposing syndrome. Last evaluated: 2024-03-11. Review status: criteria provided, single submitter. Criteria: Ambry Variant Classification Scheme 2023. Collection method: clinical testing. Allele origin: germline.
Comment: The c.5318delA pathogenic mutation, located in coding exon 34 of the ATM gene, results from a deletion of one nucleotide at nucleotide position 5318, causing a translational frameshift with a predicted alternate stop codon (p.K1773Sfs*3). This alteration is expected to result in loss of function by premature protein truncation or nonsense-mediated mRNA decay. As such, this alteration is interpreted as a disease-causing mutation.

Myriad Genetics, Inc.
Classification: Pathogenic for Familial cancer of breast. Last evaluated: 2024-01-25. Review status: criteria provided, single submitter. Criteria: Myriad Autosomal Dominant, Autosomal Recessive and X-Linked Classification Criteria (2023). Collection method: clinical testing. Allele origin: unknown.
Comment: This variant is considered pathogenic. This variant creates a frameshift predicted to result in premature protein truncation.

Baylor Genetics
Classification: Likely pathogenic for Familial cancer of breast. Last evaluated: 2023-01-26. Review status: criteria provided, single submitter. Criteria: ACMG Guidelines, 2015. Collection method: clinical testing. Allele origin: unknown.

Literature cited by the submitters: PubMed 23807571 (cited by Labcorp Genetics (formerly Invitae), Labcorp); PubMed 25614872 (cited by Labcorp Genetics (formerly Invitae), Labcorp); PubMed 36980780 (cited by Quest Diagnostics Nichols Institute San Juan Capistrano).

NM_000051.4(ATM):c.5318del (p.Lys1773fs)

Gene: ATM (ATM serine/threonine kinase; plus strand). Cytogenetic location: 11q22.3.
Variant type: Deletion.
Coding change: c.5318del on transcript NM_000051.4 (MANE Select); coding-DNA position 5318, one base deleted (A; older notation c.5318delA).
Protein change: p.Lys1773fs; shifts the reading frame from lysine 1773.
Molecular consequence: frameshift variant.
Genome position (GRCh38, 1-based): chr11:108,301,788, A deleted; the last of 6 consecutive A bases (chr11:108,301,783-108,301,788); deleting any one gives the same sequence. VCF-style (leftmost placement, unchanged base first): chr11-108301782-GA-G. GRCh37 (hg19) VCF-style: chr11-108172509-GA-G.
Other names: c.5318delA (NM_000051.3); c.5318del, p.Lys1773fs (NM_001351834.2); short protein forms K1773fs.
Identifiers: ClinVar variation 233249 (VCV000233249.16), dbSNP rs876660289, ClinGen allele CA10579176.